The following is an entry in ClinVar:

ClinVar aggregate classification (germline): Uncertain significance. Review status: criteria provided, multiple submitters, no conflicts (2 of 4 stars). 3 submissions from 3 submitters: Uncertain significance (3). Last evaluated 2025-12-12.

Allele frequency attached by ClinVar (database versions not stated): ExAC 0.00012; 1000 Genomes Project 0.00040; gnomAD exomes 0.00015; 1000 Genomes Project 30x 0.00047.
gnomAD v4.1: 324 of 1,600,792 alleles (0.02%); highest among the groups gnomAD compares: Non-Finnish European, 0.026%; 1 homozygote.

Submissions (3):

Mayo Clinic Laboratories, Mayo Clinic
Classification: Uncertain significance. Last evaluated: 2025-12-12. Review status: criteria provided, single submitter. Criteria: ACMG Guidelines, 2015. Collection method: clinical testing. Allele origin: germline. Observed: 3 variant alleles.
Comment: PP3, PM2_supporting

GeneDx
Classification: Uncertain significance. Last evaluated: 2023-05-04. Review status: criteria provided, single submitter. Criteria: GeneDx Variant Classification Process June 2021. Collection method: clinical testing. Allele origin: germline. Affected: yes.
Comment: In silico analysis supports that this missense variant has a deleterious effect on protein structure/function; Has not been previously published as pathogenic or benign to our knowledge

Labcorp Genetics (formerly Invitae), Labcorp
Classification: Uncertain significance. Last evaluated: 2022-09-03. Review status: criteria provided, single submitter. Criteria: Invitae Variant Classification Sherloc (09022015). Collection method: clinical testing. Allele origin: germline.
Comment: This sequence change replaces proline, which is neutral and non-polar, with alanine, which is neutral and non-polar, at codon 942 of the SBF1 protein (p.Pro942Ala). This variant is present in population databases (rs200220290, gnomAD 0.03%). This variant has not been reported in the literature in individuals affected with SBF1-related conditions. ClinVar contains an entry for this variant (Variation ID: 1162894). Algorithms developed to predict the effect of missense changes on protein structure and function are either unavailable or do not agree on the potential impact of this missense change (SIFT: "Tolerated"; PolyPhen-2: "Probably Damaging"; Align-GVGD: "Class C0"). In summary, the available evidence is currently insufficient to determine the role of this variant in disease. Therefore, it has been classified as a Variant of Uncertain Significance.

NM_002972.4(SBF1):c.2824C>G (p.Pro942Ala)

Gene: SBF1 (SET binding factor 1; minus strand). Cytogenetic location: 22q13.33.
Variant type: single nucleotide variant.
Coding change: c.2824C>G on transcript NM_002972.4 (MANE Select); coding-DNA position 2824, C replaced by G.
Protein change: p.Pro942Ala; replaces proline 942 with alanine.
Molecular consequence: missense variant.
Genome position (GRCh38, 1-based): chr22:50,461,538, G>C on the plus strand (C>G on the coding strand, the complement: SBF1 is on the minus strand). VCF-style: chr22-50461538-G-C. GRCh37 (hg19) VCF-style: chr22-50899967-G-C.
Other names: c.2824C>G (NM_002972.2); c.2827C>G, p.Pro943Ala (NM_001365819.1); short protein forms P942A, P943A.
Identifiers: ClinVar variation 1162894 (VCV001162894.10), dbSNP rs200220290, ClinGen allele CA10317049.